The following is an entry in ClinVar:

ClinVar aggregate classification (germline): Uncertain significance (1 of 4 stars; one submission).

Conditions:
Familial thoracic aortic aneurysm and aortic dissection (TAAD). Also called: Thoracic aortic aneurysms and dissections. Identifiers: Orphanet 91387, MedGen C4707243, MONDO:0019625.

gnomAD v4.1: 2 of 1,613,908 alleles (0.00012%); highest among the groups gnomAD compares: African/African-American, 0.0013%; no homozygotes.

Submission:

Color Diagnostics, LLC DBA Color Health
Classification: Uncertain significance for Familial thoracic aortic aneurysm and aortic dissection. Last evaluated: 2025-06-09. Review status: criteria provided, single submitter. Criteria: ACMG Guidelines, 2015. Collection method: clinical testing. Allele origin: germline.
Comment: This variant is located in the MYH11 protein. To our knowledge, functional studies have not been reported for this variant. This variant has not been reported in individuals affected with MYH11-related disorders in the literature. This variant has not been identified in the general population by the Genome Aggregation Database (gnomAD). The available evidence is insufficient to determine the role of this variant in disease conclusively. Therefore, this variant is classified as a Variant of Uncertain Significance.

NM_002474.3(MYH11):c.321G>A (p.Glu107=)

Gene: MYH11 (myosin heavy chain 11; minus strand). Cytogenetic location: 16p13.11.
Variant type: single nucleotide variant.
Coding change: c.321G>A on transcript NM_002474.3 (MANE Select); coding-DNA position 321, G replaced by A.
Protein change: p.Glu107=; no amino-acid change (glutamic acid 107 retained).
Molecular consequence: synonymous variant.
Genome position (GRCh38, 1-based): chr16:15,837,932, C>T on the plus strand (G>A on the coding strand, the complement: MYH11 is on the minus strand). VCF-style: chr16-15837932-C-T. GRCh37 (hg19) VCF-style: chr16-15931789-C-T.
Other names: c.321G>A, p.Glu107= (NM_001040113.2, NM_001040114.2, NM_022844.3).
Identifiers: ClinVar variation 4758429 (VCV004758429.1).